The following is an entry in ClinVar:

ClinVar aggregate classification (germline): Uncertain significance. Review status: criteria provided, multiple submitters, no conflicts (2 of 4 stars). 5 submissions from 5 submitters: Uncertain significance (5). Last evaluated 2025-12-16.

Conditions:
Cystic fibrosis (CF). Also called: MUCOVISCIDOSIS. Identifiers: Orphanet 586, MedGen C0010674, MONDO:0009061, OMIM 219700. Disease mechanism: loss of function.

Allele frequency attached by ClinVar (database versions not stated): gnomAD 0.00002; ESP Exome Variant Server 0.00008; gnomAD exomes 0.00001; TOPMed 0.00003.
gnomAD v4.1: 7 of 1,613,186 alleles (0.00043%); highest among the groups gnomAD compares: African/African-American, 0.0067%; no homozygotes.

Submissions (5):

Women's Health and Genetics/Laboratory Corporation of America, LabCorp
Classification: Uncertain significance. Last evaluated: 2025-12-16. Review status: criteria provided, single submitter. Criteria: LabCorp Variant Classification Summary - May 2015. Collection method: clinical testing. Allele origin: germline.
Comment: Variant summary: CFTR c.3503A>G (p.Asp1168Gly) results in a non-conservative amino acid change in the encoded protein sequence. Algorithms developed to predict the effect of missense changes on protein structure and function are either unavailable or do not agree on the potential impact of this missense change. The variant allele was found at a frequency of 8e-06 in 250718 control chromosomes. c.3503A>G has been reported in the literature in the compound heterozygous state in an individual affected with a CFTR-Related Disease and in an individual with metabolic alkalosis, as well as in an infant with a CF-screening positive inconclusive diagnosis by newborn screening (e.g. Lucarelli_2015, Esposito_2020, Castaldo_2020). Further, it has also been reported in trans with an unknown variant of "varying clinical consequence" in 1 individual with cystic fibrosis diagnosis in the the CFTR-France database. These data do not allow any conclusion about variant significance. At least two publications report experimental evidence evaluating an impact on protein function of a complex allele that includes p.Asp1168Gly in vitro (c.[1516A>G;3503A>G] p.[Ile506Val;Asp1168Gly]), however, they do not allow convincing conclusions about the variant effect in isolation (example, Bihler_2024, Baldassarri_2022). The following publications have been ascertained in the context of this evaluation (PMID: 38388235, 32784480, 33260873, 25910067, 34996830, 32734384, 25735457, 34426522, 12900515, 37923102, 36552859, 28603918, 17440499, 25087612, 38203285, 11504857, 36552859). ClinVar contains an entry for this variant (Variation ID: 53763). Based on the evidence outlined above, the variant was classified as VUS-possibly pathogenic.

Quest Diagnostics Nichols Institute San Juan Capistrano
Classification: Uncertain significance. Last evaluated: 2024-12-12. Review status: criteria provided, single submitter. Criteria: Quest Diagnostics criteria. Collection method: clinical testing. Allele origin: unknown.
Comment: The CFTR c.3503A>G (p.Asp1168Gly) variant has been reported in the published literature in as part of a complex allele (c.[1516A>G; 3503A>G]) in individuals with cystic fibrosis (PMID: 28603918 (2017), CFTR-France) and cystic fibrosis-screening positive inconclusive diagnosis (CF-SPID) (PMID: 32784480 (2020)). This variant has also been reported in an individual with cystic fibrosis related disorder (CFTR-RD) (PMID: 25910067 (2015)) and in an individual also carrying F508del with metabolic alkalosis and normal sweat chloride test levels (PMID: 33260873 (2020)). The frequency of this variant in the general population (Genome Aggregation Database) is uninformative in the assessment of its pathogenicity. Analysis of this variant using bioinformatics tools for the prediction of the effect of amino acid changes on protein structure and function yielded predictions that this variant is damaging. Based on the available information, we are unable to determine the clinical significance of this variant.

Ambry Genetics
Classification: Uncertain significance for Cystic fibrosis. Last evaluated: 2022-03-23. Review status: criteria provided, single submitter. Criteria: Ambry Variant Classification Scheme 2023. Collection method: clinical testing. Allele origin: germline.
Comment: The p.D1168G variant (also known as c.3503A>G), located in coding exon 22 of the CFTR gene, results from an A to G substitution at nucleotide position 3503. The aspartic acid at codon 1168 is replaced by glycine, an amino acid with similar properties. This variant has been reported in an individual with a CFTR-related disorder; however, clinical details were limited (Lucarelli M et al. Mol. Med., 2015 Apr;21:257-75). This amino acid position is highly conserved in available vertebrate species. In addition, this alteration is predicted to be deleterious by in silico analysis. Since supporting evidence is limited at this time, the clinical significance of this alteration remains unclear.

Mayo Clinic Laboratories, Mayo Clinic
Classification: Uncertain significance. Last evaluated: 2022-03-22. Review status: criteria provided, single submitter. Criteria: ACMG Guidelines, 2015. Collection method: clinical testing. Allele origin: germline. Observed: 1 variant allele.
Comment: PP3, PM2, PM3_supporting

Eurofins Ntd Llc (ga)
Classification: Uncertain significance. Last evaluated: 2017-05-30. Review status: criteria provided, single submitter. Criteria: EGL Classification Definitions 2015. Collection method: clinical testing. Allele origin: germline. Observed: 1 variant allele, 1 heterozygote.

Literature cited by the submitters: PubMed 11504857 (cited by Women's Health and Genetics/Laboratory Corporation of America, LabCorp); PubMed 17440499 (cited by Women's Health and Genetics/Laboratory Corporation of America, LabCorp and Quest Diagnostics Nichols Institute San Juan Capistrano); PubMed 12900515 (cited by 3 submitters); PubMed 25087612 (cited by 3 submitters); PubMed 25735457 (cited by Women's Health and Genetics/Laboratory Corporation of America, LabCorp); PubMed 25910067 (cited by 4 submitters); PubMed 28603918 (cited by Women's Health and Genetics/Laboratory Corporation of America, LabCorp and Quest Diagnostics Nichols Institute San Juan Capistrano); PubMed 32784480 (cited by Women's Health and Genetics/Laboratory Corporation of America, LabCorp and Quest Diagnostics Nichols Institute San Juan Capistrano); PubMed 33260873 (cited by Women's Health and Genetics/Laboratory Corporation of America, LabCorp and Quest Diagnostics Nichols Institute San Juan Capistrano); PubMed 34426522 (cited by Women's Health and Genetics/Laboratory Corporation of America, LabCorp and Quest Diagnostics Nichols Institute San Juan Capistrano); PubMed 34996830 (cited by Women's Health and Genetics/Laboratory Corporation of America, LabCorp and Quest Diagnostics Nichols Institute San Juan Capistrano); PubMed 36552859 (cited by Women's Health and Genetics/Laboratory Corporation of America, LabCorp); PubMed 38388235 (cited by Women's Health and Genetics/Laboratory Corporation of America, LabCorp); PubMed 32734384 (cited by Women's Health and Genetics/Laboratory Corporation of America, LabCorp); PubMed 38203285 (cited by Women's Health and Genetics/Laboratory Corporation of America, LabCorp); PubMed 37923102 (cited by Women's Health and Genetics/Laboratory Corporation of America, LabCorp).

NM_000492.4(CFTR):c.3503A>G (p.Asp1168Gly)

Genes: CFTR (CF transmembrane conductance regulator; plus strand), CFTR-AS2 (CFTR antisense RNA 2; minus strand). Cytogenetic location: 7q31.2.
Variant type: single nucleotide variant.
Coding change: c.3503A>G on transcript NM_000492.4 (MANE Select); coding-DNA position 3503, A replaced by G.
Protein change: p.Asp1168Gly; replaces aspartic acid 1168 with glycine.
Molecular consequence: missense variant.
Genome position (GRCh38, 1-based): chr7:117,627,556, A>G. VCF-style: chr7-117627556-A-G. GRCh37 (hg19) VCF-style: chr7-117267610-A-G.
Other names: p.Asp1168Gly; short protein forms D1168G.
Identifiers: ClinVar variation 53763 (VCV000053763.15), dbSNP rs150326506, ClinGen allele CA327219.